The following is an entry in ClinVar:

ClinVar aggregate classification (germline): Likely benign (0 of 4 stars; one submission).

Conditions:
SCAPER-related disorder. Also called: SCAPER-related condition.

Allele frequency attached by ClinVar (database versions not stated): gnomAD exomes 0.00002; gnomAD 0.00003; ExAC 0.00004; TOPMed 0.00005.
gnomAD v4.1: 33 of 1,592,590 alleles (0.0021%); highest among the groups gnomAD compares: Middle Eastern, 0.017%; no homozygotes.

Submission:

PreventionGenetics, part of Exact Sciences
Classification: Likely benign for SCAPER-related condition. Last evaluated: 2019-08-19. Review status: no assertion criteria provided. Collection method: clinical testing. Allele origin: germline.
Comment: This variant is classified as likely benign based on ACMG/AMP sequence variant interpretation guidelines (Richards et al. 2015 PMID: 25741868, with internal and published modifications).

NM_020843.4(SCAPER):c.1473C>T (p.Asn491=)

Gene: SCAPER (S-phase cyclin A associated protein in the ER; minus strand). Cytogenetic location: 15q24.3.
Variant type: single nucleotide variant.
Coding change: c.1473C>T on transcript NM_020843.4 (MANE Select); coding-DNA position 1473, C replaced by T.
Protein change: p.Asn491=; no amino-acid change (asparagine 491 retained).
Molecular consequence: synonymous variant. On other transcripts: non-coding transcript variant (1).
Genome position (GRCh38, 1-based): chr15:76,765,585, G>A on the plus strand (C>T on the coding strand, the complement: SCAPER is on the minus strand). VCF-style: chr15-76765585-G-A. GRCh37 (hg19) VCF-style: chr15-77057926-G-A.
Other names: c.735C>T, p.Asn245= (NM_001145923.2); c.1491C>T, p.Asn497= (NM_001353009.2); c.1071C>T, p.Asn357= (NM_001353010.2, NM_001353012.2); c.1089C>T, p.Asn363= (NM_001353011.2).
Identifiers: ClinVar variation 3052678 (VCV003052678.2), dbSNP rs770079137, ClinGen allele CA7674955.